The following is an entry in ClinVar:

ClinVar aggregate classification (germline): Uncertain significance (1 of 4 stars; one submission).

Conditions:
Progressive sclerosing poliodystrophy (MTDPS4A). Also called: Mitochondrial DNA Depletion Syndrome 4A; ALPERS PROGRESSIVE INFANTILE POLIODYSTROPHY; NEURONAL DEGENERATION OF CHILDHOOD WITH LIVER DISEASE, PROGRESSIVE; Mitochondrial DNA depletion syndrome 4A (Alpers type); Alpers Syndrome; ALPERS DIFFUSE DEGENERATION OF CEREBRAL GRAY MATTER WITH HEPATIC CIRRHOSIS. Identifiers: Orphanet 726, MedGen C0205710, MONDO:0008758, OMIM 203700.

gnomAD v4.1: 3 of 1,613,628 alleles (0.00019%); highest among the groups gnomAD compares: African/African-American, 0.0027%; no homozygotes.

Submission:

Labcorp Genetics (formerly Invitae), Labcorp
Classification: Uncertain significance for Progressive sclerosing poliodystrophy. Last evaluated: 2022-05-21. Review status: criteria provided, single submitter. Criteria: Invitae Variant Classification Sherloc (09022015). Collection method: clinical testing. Allele origin: germline.
Comment: This sequence change replaces aspartic acid, which is acidic and polar, with tyrosine, which is neutral and polar, at codon 830 of the POLG protein (p.Asp830Tyr). This variant is present in population databases (rs760641207, gnomAD 0.007%). This variant has not been reported in the literature in individuals affected with POLG-related conditions. Algorithms developed to predict the effect of missense changes on protein structure and function are either unavailable or do not agree on the potential impact of this missense change (SIFT: "Deleterious"; PolyPhen-2: "Possibly Damaging"; Align-GVGD: "Class C0"). In summary, the available evidence is currently insufficient to determine the role of this variant in disease. Therefore, it has been classified as a Variant of Uncertain Significance.

NM_002693.3(POLG):c.2488G>T (p.Asp830Tyr)

Gene: POLG (DNA polymerase gamma, catalytic subunit; minus strand). Cytogenetic location: 15q26.1.
Variant type: single nucleotide variant.
Coding change: c.2488G>T on transcript NM_002693.3 (MANE Select); coding-DNA position 2488, G replaced by T.
Protein change: p.Asp830Tyr; replaces aspartic acid 830 with tyrosine.
Molecular consequence: missense variant.
Genome position (GRCh38, 1-based): chr15:89,321,846, C>A on the plus strand (G>T on the coding strand, the complement: POLG is on the minus strand). VCF-style: chr15-89321846-C-A. GRCh37 (hg19) VCF-style: chr15-89865077-C-A.
Other names: c.2488G>T, p.Asp830Tyr (NM_001126131.2); short protein forms D830Y.
Identifiers: ClinVar variation 1997764 (VCV001997764.1), dbSNP rs760641207, ClinGen allele CA7724442.